The following is an entry in ClinVar:

NM_001037131.3(AGAP1):c.2333G>A (p.Arg778His)

Gene: AGAP1 (ArfGAP with GTPase domain, ankyrin repeat and PH domain 1; plus strand). Cytogenetic location: 2q37.2.
Variant type: single nucleotide variant.
Coding change: c.2333G>A on transcript NM_001037131.3 (MANE Select); coding-DNA position 2333, G replaced by A.
Protein change: p.Arg778His; replaces arginine 778 with histidine.
Molecular consequence: missense variant.
Genome position (GRCh38, 1-based): chr2:236,120,410, G>A. VCF-style: chr2-236120410-G-A. GRCh37 (hg19) VCF-style: chr2-237029054-G-A.
Other names: c.2174G>A, p.Arg725His (NM_014914.5); short protein forms R778H, R725H.
Identifiers: ClinVar variation 1946481 (VCV001946481.5), dbSNP rs768800981, ClinGen allele CA2185225.

ClinVar aggregate classification (germline): Uncertain significance (1 of 4 stars; one submission).

Allele frequency attached by ClinVar (database versions not stated): TOPMed 0.00003.
gnomAD v4.1: 17 of 1,611,384 alleles (0.0011%); highest among the groups gnomAD compares: Middle Eastern, 0.02%; no homozygotes.

Submission:

Labcorp Genetics (formerly Invitae), Labcorp
Classification: Uncertain significance. Last evaluated: 2025-01-06. Review status: criteria provided, single submitter. Criteria: Invitae Variant Classification Sherloc (09022015). Collection method: clinical testing. Allele origin: germline.
Comment: This sequence change replaces arginine, which is basic and polar, with histidine, which is basic and polar, at codon 725 of the AGAP1 protein (p.Arg725His). This variant is present in population databases (rs768800981, gnomAD 0.01%). This variant has not been reported in the literature in individuals affected with AGAP1-related conditions. ClinVar contains an entry for this variant (Variation ID: 1946481). An algorithm developed to predict the effect of missense changes on protein structure and function (PolyPhen-2) suggests that this variant is likely to be tolerated. In summary, the available evidence is currently insufficient to determine the role of this variant in disease. Therefore, it has been classified as a Variant of Uncertain Significance.